The following is an entry in ClinVar:

NM_024426.6(WT1):c.73T>C (p.Ser25Pro)

Genes: WT1 (WT1 transcription factor; minus strand), LOC107982234 (WT1/WT1-AS bi-directional promoter region; plus strand). Cytogenetic location: 11p13.
Variant type: single nucleotide variant.
Coding change: c.73T>C on transcript NM_024426.6 (MANE Select); coding-DNA position 73, T replaced by C.
Protein change: p.Ser25Pro; replaces serine 25 with proline.
Molecular consequence: missense variant. On other transcripts: non-coding transcript variant (2).
Genome position (GRCh38, 1-based): chr11:32,435,288, A>G on the plus strand (T>C on the coding strand, the complement: WT1 is on the minus strand). VCF-style: chr11-32435288-A-G. GRCh37 (hg19) VCF-style: chr11-32456834-A-G.
Other names: c.58T>C (NM_024426.4); c.73T>C, p.Ser25Pro (NM_000378.6, NM_001407044.1, NM_001407045.1 and 6 more transcripts); c.58T>C, p.Ser20Pro (NM_024425.2); short protein forms S20P, S25P.
Identifiers: ClinVar variation 2926717 (VCV002926717.4), dbSNP rs2494489374, ClinGen allele CA379966443.

ClinVar aggregate classification (germline): Uncertain significance. Review status: criteria provided, multiple submitters, no conflicts (2 of 4 stars). 2 submissions from 2 submitters: Uncertain significance (2). Last evaluated 2026-07-31.

Conditions:
Inborn genetic diseases. Identifiers: MedGen C0950123, MeSH D030342.
Drash syndrome (DDS). Also called: NEPHROPATHY, WILMS TUMOR, AND GENITAL ANOMALIES; WILMS TUMOR AND PSEUDO- OR TRUE HERMAPHRODITISM. Identifiers: Orphanet 220, MedGen C0950121, MONDO:0008682, OMIM 194080.
Wilms tumor 1 (WT1). Also called: Wilms tumor, somatic. Identifiers: Orphanet 654, MedGen CN033288, MONDO:0008679, OMIM 194070.
11p partial monosomy syndrome (WAGR). Also called: WAGR Complex; WAGR Spectrum Disorder; CHROMOSOME 11p13 DELETION SYNDROME; WAGR syndrome. Identifiers: Orphanet 893, MedGen C0206115, MONDO:0008681, OMIM 194072.
Frasier syndrome. Identifiers: Orphanet 347, MedGen C0950122, MeSH D052159, MONDO:0007635, OMIM 136680.

Allele frequency attached by ClinVar (database versions not stated): gnomAD exomes below 0.00001.
gnomAD v4.1: 1 of 1,533,590 alleles (0.000065%); highest among the groups gnomAD compares: Non-Finnish European, 0.000087%; no homozygotes.

Submissions (2):

Ambry Genetics
Classification: Uncertain significance for Inborn genetic diseases. Last evaluated: 2026-07-31. Review status: criteria provided, single submitter. Criteria: Ambry Variant Classification Scheme 2023. Collection method: clinical testing. Allele origin: germline.
Comment: The p.S20P variant (also known as c.58T>C), located in coding exon 1 of the WT1 gene, results from a T to C substitution at nucleotide position 58. The serine at codon 20 is replaced by proline, an amino acid with similar properties. This amino acid position is conserved. In addition, this alteration is predicted to be tolerated by in silico analysis. Based on the available evidence, the clinical significance of this variant remains unclear.

Labcorp Genetics (formerly Invitae), Labcorp
Classification: Uncertain significance for Wilms tumor 1; Drash syndrome; 11p partial monosomy syndrome; Frasier syndrome. Last evaluated: 2023-12-18. Review status: criteria provided, single submitter. Criteria: Invitae Variant Classification Sherloc (09022015). Collection method: clinical testing. Allele origin: germline.
Comment: This sequence change replaces serine, which is neutral and polar, with proline, which is neutral and non-polar, at codon 20 of the WT1 protein (p.Ser20Pro). This variant is not present in population databases (gnomAD no frequency). This variant has not been reported in the literature in individuals affected with WT1-related conditions. Algorithms developed to predict the effect of missense changes on protein structure and function output the following: SIFT: "Not Available"; PolyPhen-2: "Benign"; Align-GVGD: "Not Available". The proline amino acid residue is found in multiple mammalian species, which suggests that this missense change does not adversely affect protein function. In summary, the available evidence is currently insufficient to determine the role of this variant in disease. Therefore, it has been classified as a Variant of Uncertain Significance.